The following is an entry in ClinVar:

NC_000014.8:g.(?_94843455)_(94847488_?)del

Gene: SERPINA1 (serpin family A member 1; minus strand). Cytogenetic location: 14q32.13.
Variant type: Deletion.
Identifiers: ClinVar variation 1457397 (VCV001457397.5).

ClinVar aggregate classification (germline): Pathogenic (1 of 4 stars; one submission).

Conditions:
Alpha-1-antitrypsin deficiency (A1ATD). Also called: AAT deficiency; A1AT deficiency; Alpha1-Antitrypsin Deficiency. Identifiers: Orphanet 60, MedGen C0221757, MONDO:0013282, OMIM 613490.

Submission:

Labcorp Genetics (formerly Invitae), Labcorp
Classification: Pathogenic for Alpha-1-antitrypsin deficiency. Last evaluated: 2021-08-12. Review status: criteria provided, single submitter. Criteria: Invitae Variant Classification Sherloc (09022015). Collection method: clinical testing. Allele origin: germline.
Comment: This variant is a gross deletion of the genomic region encompassing exon(s) 3-5 of the SERPINA1 gene, which includes the termination codon. This deletion extends beyond the assayed region for this gene and therefore may encompass additional genes. While this deletion is not anticipated to lead to nonsense mediated decay, it is expected to alter mRNA translation or result in a truncated protein product. This variant has not been reported in the literature in individuals affected with SERPINA1-related conditions. This variant disrupts a region of the SERPINA1 protein in which other variant(s) (p.Glu387Argfs*14) have been determined to be pathogenic (PMID: 9070606, 11334395, 22016686). This suggests that this is a clinically significant region of the protein, and that variants that disrupt it are likely to be disease-causing. For these reasons, this variant has been classified as Pathogenic.

Literature cited by the submitters: PubMed 9070606; PubMed 11334395; PubMed 22016686.